The following is an entry in ClinVar:

ClinVar aggregate classification (germline): Uncertain significance. Review status: criteria provided, single submitter (1 of 4 stars). 2 submissions from 2 submitters: Uncertain significance (1). 1 of the submissions does not count toward it. Last evaluated 2014-07-31.

Conditions:
Acute infantile liver failure due to synthesis defect of mtDNA-encoded proteins. Also called: LIVER FAILURE, INFANTILE, TRANSIENT; Liver failure acute infantile; TRMU Deficiency. Identifiers: Orphanet 217371, MedGen C3278664, MONDO:0013111, OMIM 613070.

Allele frequency attached by ClinVar (database versions not stated): TOPMed 0.00001.
gnomAD v4.1: 10 of 1,613,114 alleles (0.00062%); highest among the groups gnomAD compares: African/African-American, 0.0027%; no homozygotes.

Submissions (2):

GeneDx
Classification: Uncertain significance. Last evaluated: 2014-07-31. Review status: criteria provided, single submitter. Criteria: GeneDx Variant Classification (06012015). Collection method: clinical testing. Allele origin: germline. Affected: yes.
Comment: p.Ala314Val (GCG>GTG): c.941 C>T in exon 9 of the TRMU gene (NM_018006.4). The A314V variant of unknown significance identified in the TRMU gene has not been published as a mutation, nor has it been reported as a benign polymorphism to our knowledge. The A314V variant is a conservative amino acid substitution, which is not likely to impact secondary protein structure as these residues share similar properties. This substitution occurs at a position that is not conserved across species. However, in silico analysis predicts this variant is probably damaging to the protein structure/function. Therefore, based on the currently available information, it is unclear whether this variant is a pathogenic mutation or a rare benign variant. The variant is found in MITONUC-MITOP panel(s).

Natera, Inc.
Classification: Uncertain significance for Acute infantile liver failure due to synthesis defect of mtDNA-encoded proteins. Last evaluated: 2021-06-22. Review status: no assertion criteria provided. Collection method: clinical testing. Allele origin: germline. Not counted in ClinVar's aggregate classification.

NM_018006.5(TRMU):c.941C>T (p.Ala314Val)

Gene: TRMU (tRNA mitochondrial 2-thiouridylase; plus strand). Cytogenetic location: 22q13.31.
Variant type: single nucleotide variant.
Coding change: c.941C>T on transcript NM_018006.5 (MANE Select); coding-DNA position 941, C replaced by T.
Protein change: p.Ala314Val; replaces alanine 314 with valine.
Molecular consequence: missense variant. On other transcripts: non-coding transcript variant (2).
Genome position (GRCh38, 1-based): chr22:46,355,511, C>T. VCF-style: chr22-46355511-C-T. GRCh37 (hg19) VCF-style: chr22-46751408-C-T.
Other names: p.A314V:GCG>GTG; c.599C>T, p.Ala200Val (NM_001282782.2); c.521C>T, p.Ala174Val (NM_001282783.2, NM_001282784.2); c.941C>T, p.Ala314Val (NM_001282785.2); short protein forms A314V, A200V, A174V.
Identifiers: ClinVar variation 215289 (VCV000215289.3), dbSNP rs760149424, ClinGen allele CA323225.